The following is an entry in ClinVar:

NM_078629.4(MSL3):c.1347C>A (p.Tyr449Ter)

Gene: MSL3 (MSL complex subunit 3; plus strand). Cytogenetic location: Xp22.2.
Variant type: single nucleotide variant.
Coding change: c.1347C>A on transcript NM_078629.4 (MANE Select); coding-DNA position 1347, C replaced by A.
Protein change: p.Tyr449Ter; replaces tyrosine 449 with a stop codon.
Molecular consequence: nonsense.
Genome position (GRCh38, 1-based): chrX:11,772,221, C>A. VCF-style: chrX-11772221-C-A. GRCh37 (hg19) VCF-style: chrX-11790340-C-A.
Other names: c.1311C>A, p.Tyr437Ter (NM_001193270.2); c.900C>A, p.Tyr300Ter (NM_001282174.1); c.849C>A, p.Tyr283Ter (NM_006800.4); short protein forms Y283*, Y300*, Y437*, Y449*.
Identifiers: ClinVar variation 4056626 (VCV004056626.1).

ClinVar aggregate classification (germline): Likely pathogenic (1 of 4 stars; one submission).

Conditions:
Basilicata-Akhtar syndrome. Also called: INTELLECTUAL DEVELOPMENTAL DISORDER, X-LINKED, SYNDROMIC, 36; MENTAL RETARDATION, X-LINKED, SYNDROMIC, BASILICATA-AKHTAR TYPE. Identifiers: MedGen C5231394, MONDO:0026730, OMIM 301032.

Submission:

Laboratorio de Genetica e Diagnostico Molecular, Hospital Israelita Albert Einstein
Classification: Likely pathogenic for Basilicata-Akhtar syndrome. Last evaluated: 2024-10-25. Review status: criteria provided, single submitter. Criteria: ACMG Guidelines, 2015. Collection method: clinical testing. Allele origin: germline. Affected: yes.
Comment: ACMG classification criteria: PVS1 very strong, PM2 supporting